The following is an entry in ClinVar:

NM_030632.3(ASXL3):c.4678C>T (p.Arg1560Ter)

Gene: ASXL3 (ASXL transcriptional regulator 3; plus strand). Cytogenetic location: 18q12.1.
Variant type: single nucleotide variant.
Coding change: c.4678C>T on transcript NM_030632.3 (MANE Select); coding-DNA position 4678, C replaced by T.
Protein change: p.Arg1560Ter; replaces arginine 1560 with a stop codon.
Molecular consequence: nonsense.
Genome position (GRCh38, 1-based): chr18:33,744,526, C>T. VCF-style: chr18-33744526-C-T. GRCh37 (hg19) VCF-style: chr18-31324490-C-T.
Other names: short protein forms R1560*.
Identifiers: ClinVar variation 1708662 (VCV001708662.5), dbSNP rs199978752, ClinGen allele CA297793738.

ClinVar aggregate classification (germline): Pathogenic. Review status: criteria provided, multiple submitters, no conflicts (2 of 4 stars). 2 submissions from 2 submitters: Pathogenic (2). Last evaluated 2025-08-01.

gnomAD v4.1: 2 of 1,612,098 alleles (0.00012%); highest among the groups gnomAD compares: East Asian, 0.0022%; no homozygotes.

Submissions (2):

Dasa
Classification: Pathogenic. Last evaluated: 2025-08-01. Review status: criteria provided, single submitter. Criteria: DASA Assertion Criteria. Collection method: clinical testing. Allele origin: germline.
Comment: NM_030632.3(ASXL3):c.4678C>T (p.Arg1560*) introduces a premature termination codon predicted to result in loss of normal protein function. Loss-of-function is an established mechanism of disease for this gene. De novo occurrence has been reported in an individual with related phenotype. This variant has been recurrently observed in individuals with related phenotype (PMID: 39610869; PMID: 37992104). The variant is present at low frequency in population datasets. Based on the available data, this variant is classified as pathogenic.

GeneDx
Classification: Pathogenic. Last evaluated: 2024-05-15. Review status: criteria provided, single submitter. Criteria: GeneDx Variant Classification Process June 2021. Collection method: clinical testing. Allele origin: germline. Affected: yes.
Comment: Identified in unrelated patients with an ASXL3-related disorder referred for genetic testing at GeneDx and in published literature (PMID: 34436830); Nonsense variant predicted to result in protein truncation, as the last 689 amino acids are lost, and other loss-of-function variants have been reported downstream in HGMD; This variant is associated with the following publications: (PMID: 35982159, 33057194, 36368308, 34436830)

Literature cited by the submitters: PubMed 39610869 (cited by Dasa); PubMed 37992104 (cited by Dasa).